The following is an entry in ClinVar:

ClinVar aggregate classification (germline): Uncertain significance. Review status: criteria provided, multiple submitters, no conflicts (2 of 4 stars). 4 submissions from 4 submitters: Uncertain significance (4). Last evaluated 2026-07-01.

Conditions:
Polymicrogyria with or without vascular-type Ehlers-Danlos syndrome. Identifiers: Orphanet 636941, MedGen C5193040, MONDO:0032688, OMIM 618343.
Ehlers-Danlos syndrome, type 4 (EDSVASC). Also called: Ehlers-Danlos syndrome vascular type; Ehlers Danlos syndrome, ecchymotic type; Ehlers Danlos syndrome, arterial type; Ehlers Danlos syndrome, Sack-Barabas type; Ehlers-Danlos Syndrome Type IV. Identifiers: Orphanet 286, MedGen C0268338, MONDO:0017314, OMIM 130050.
Familial thoracic aortic aneurysm and aortic dissection (TAAD). Also called: Thoracic aortic aneurysms and dissections. Identifiers: Orphanet 91387, MedGen C4707243, MONDO:0019625.

Allele frequency attached by ClinVar (database versions not stated): gnomAD exomes below 0.00001.
gnomAD v4.1: 7 of 1,613,918 alleles (0.00043%); highest among the groups gnomAD compares: Non-Finnish European, 0.00051%; no homozygotes.

Submissions (4):

Ambry Genetics
Classification: Uncertain significance for Familial thoracic aortic aneurysm and aortic dissection. Last evaluated: 2026-07-01. Review status: criteria provided, single submitter. Criteria: Ambry Variant Classification Scheme 2023. Collection method: clinical testing. Allele origin: germline.
Comment: The p.A937T variant (also known as c.2809G>A), located in coding exon 39 of the COL3A1 gene, results from a G to A substitution at nucleotide position 2809. The alanine at codon 937 is replaced by threonine, an amino acid with similar properties. This amino acid position is conserved. In addition, this alteration is predicted to be tolerated by in silico analysis. Based on the available evidence, the clinical significance of this variant remains unclear.

Color Diagnostics, LLC DBA Color Health
Classification: Uncertain significance for Familial thoracic aortic aneurysm and aortic dissection. Last evaluated: 2024-03-06. Review status: criteria provided, single submitter. Criteria: ACMG Guidelines, 2015. Collection method: clinical testing. Allele origin: germline.
Comment: This missense variant replaces alanine with threonine at codon 937 of the COL3A1 protein. Computational prediction suggests that this variant may not impact protein structure and function (internally defined REVEL score threshold <= 0.5, PMID: 27666373). To our knowledge, functional studies have not been reported for this variant. This variant has not been reported in individuals affected with cardiovascular disorders in the literature. This variant has not been identified in the general population by the Genome Aggregation Database (gnomAD). The available evidence is insufficient to determine the role of this variant in disease conclusively. Therefore, this variant is classified as a Variant of Uncertain Significance.

Fulgent Genetics
Classification: Uncertain significance for Ehlers-Danlos syndrome, type 4; Polymicrogyria with or without vascular-type Ehlers-Danlos syndrome. Last evaluated: 2021-10-16. Review status: criteria provided, single submitter. Criteria: ACMG Guidelines, 2015. Collection method: clinical testing. Allele origin: unknown.

GeneDx
Classification: Uncertain significance. Last evaluated: 2021-03-31. Review status: criteria provided, single submitter. Criteria: GeneDx Variant Classification Process June 2021. Collection method: clinical testing. Allele origin: germline. Affected: yes.
Comment: Has not been previously published as pathogenic or benign to our knowledge; Not observed in large population cohorts (Lek et al., 2016); In silico analysis supports that this missense variant does not alter protein structure/function; Occurs in the triple helical domain at the X position in the canonical Gly-X-Y repeat; although this variant may have aneffect on normal protein folding and function, missense substitution at the X position is not a common mechanism of disease (Stenson et al., 2014)

NM_000090.4(COL3A1):c.2809G>A (p.Ala937Thr)

Gene: COL3A1 (collagen type III alpha 1 chain; plus strand). Cytogenetic location: 2q32.2.
Variant type: single nucleotide variant.
Coding change: c.2809G>A on transcript NM_000090.4 (MANE Select); coding-DNA position 2809, G replaced by A.
Protein change: p.Ala937Thr; replaces alanine 937 with threonine.
Molecular consequence: missense variant.
Genome position (GRCh38, 1-based): chr2:189,004,129, G>A. VCF-style: chr2-189004129-G-A. GRCh37 (hg19) VCF-style: chr2-189868855-G-A.
Other names: short protein forms A937T.
Identifiers: ClinVar variation 1314409 (VCV001314409.6), dbSNP rs1688533171, ClinGen allele CA349844269.